The following is an entry in ClinVar:

NM_007348.4(ATF6):c.206G>A (p.Trp69Ter)

Gene: ATF6 (activating transcription factor 6; plus strand). Cytogenetic location: 1q23.3.
Variant type: single nucleotide variant.
Coding change: c.206G>A on transcript NM_007348.4 (MANE Select); coding-DNA position 206, G replaced by A.
Protein change: p.Trp69Ter; replaces tryptophan 69 with a stop codon.
Molecular consequence: nonsense.
Genome position (GRCh38, 1-based): chr1:161,781,958, G>A. VCF-style: chr1-161781958-G-A. GRCh37 (hg19) VCF-style: chr1-161751748-G-A.
Other names: c.206G>A, p.Trp69Ter (NM_001410890.1); short protein forms W69*.
Identifiers: ClinVar variation 2700662 (VCV002700662.3), dbSNP rs2525120658, ClinGen allele CA343384447.

ClinVar aggregate classification (germline): Pathogenic (1 of 4 stars; one submission).

Submission:

Labcorp Genetics (formerly Invitae), Labcorp
Classification: Pathogenic. Last evaluated: 2023-06-09. Review status: criteria provided, single submitter. Criteria: Invitae Variant Classification Sherloc (09022015). Collection method: clinical testing. Allele origin: germline.
Comment: This variant is not present in population databases (gnomAD no frequency). This sequence change creates a premature translational stop signal (p.Trp69*) in the ATF6 gene. It is expected to result in an absent or disrupted protein product. Loss-of-function variants in ATF6 are known to be pathogenic (PMID: 26029869, 26063662, 26070061). This variant has not been reported in the literature in individuals affected with ATF6-related conditions. For these reasons, this variant has been classified as Pathogenic. Algorithms developed to predict the effect of sequence changes on RNA splicing suggest that this variant may create or strengthen a splice site.

Literature cited by the submitters: PubMed 26029869; PubMed 26063662; PubMed 26070061.